The following is an entry in ClinVar:

ClinVar aggregate classification (germline): Benign/Likely benign. Review status: criteria provided, multiple submitters, no conflicts (2 of 4 stars). 8 submissions from 8 submitters: Benign (1); Likely benign (6). 1 of the submissions does not count toward it. Last evaluated 2025-11-18.

Conditions:
Familial cancer of breast. Also called: hereditary breast carcinoma; Hereditary breast cancer; BREAST CANCER, FAMILIAL. Identifiers: Orphanet 227535, MedGen C0346153, MONDO:0016419, OMIM 114480. Disease mechanism: loss of function.
ATM-related disorder. Also called: ATM-related disorders; ATM-related condition.
Ataxia-telangiectasia syndrome (AT). Also called: Cerebello-oculocutaneous telangiectasia; Immunodeficiency with ataxia telangiectasia; Ataxia-telangiectasia, complementation group E; Ataxia telangiectasia (A-T); LOUIS-BAR SYNDROME; Ataxia-telangiectasia, complementation group D. Identifiers: Orphanet 100, MedGen C0004135, MONDO:0008840, OMIM 208900.
Hereditary cancer-predisposing syndrome. Also called: Neoplastic Syndromes, Hereditary; Hereditary neoplastic syndrome; Hereditary Cancer Syndrome; Tumor predisposition. Identifiers: Orphanet 140162, MedGen C0027672, MeSH D009386, MONDO:0015356.

Allele frequency attached by ClinVar (database versions not stated): TOPMed 0.00002.
gnomAD v4.1: 12 of 1,614,076 alleles (0.00074%); highest among the groups gnomAD compares: African/African-American, 0.004%; no homozygotes.

Submissions (8):

Labcorp Genetics (formerly Invitae), Labcorp
Classification: Likely benign for Ataxia-telangiectasia syndrome. Last evaluated: 2025-11-18. Review status: criteria provided, single submitter. Criteria: Invitae Variant Classification Sherloc (09022015). Collection method: clinical testing. Allele origin: germline.

Women's Health and Genetics/Laboratory Corporation of America, LabCorp
Classification: Likely benign. Last evaluated: 2025-10-11. Review status: criteria provided, single submitter. Criteria: LabCorp Variant Classification Summary - May 2015. Collection method: clinical testing. Allele origin: germline.

Blueprint Genetics
Classification: Likely benign. Last evaluated: 2024-06-21. Review status: criteria provided, single submitter. Criteria: ACMG Guidelines, 2015. Collection method: clinical testing. Allele origin: germline.

Myriad Genetics, Inc.
Classification: Benign for Familial cancer of breast. Last evaluated: 2024-04-29. Review status: criteria provided, single submitter. Criteria: Myriad Autosomal Dominant, Autosomal Recessive and X-Linked Classification Criteria (2023). Collection method: clinical testing. Allele origin: unknown.
Comment: This variant is considered benign. This variant is a silent/synonymous amino acid change and it is not expected to impact splicing.

GeneDx
Classification: Likely benign. Last evaluated: 2016-09-11. Review status: criteria provided, single submitter. Criteria: GeneDx Variant Classification (06012015). Collection method: clinical testing. Allele origin: germline. Affected: yes.
Comment: This variant is considered likely benign or benign based on one or more of the following criteria: it is a conservative change, it occurs at a poorly conserved position in the protein, it is predicted to be benign by multiple in silico algorithms, and/or has population frequency not consistent with disease.

Ambry Genetics
Classification: Likely benign for Hereditary cancer-predisposing syndrome. Last evaluated: 2015-05-04. Review status: criteria provided, single submitter. Criteria: Ambry Variant Classification Scheme 2023. Collection method: clinical testing. Allele origin: germline.

Color Diagnostics, LLC DBA Color Health
Classification: Likely benign for Hereditary cancer-predisposing syndrome. Last evaluated: 2015-04-09. Review status: criteria provided, single submitter. Criteria: ACMG Guidelines, 2015. Collection method: clinical testing. Allele origin: germline.

PreventionGenetics, part of Exact Sciences
Classification: Likely benign for ATM-related condition. Last evaluated: 2023-09-29. Review status: no assertion criteria provided. Collection method: clinical testing. Allele origin: germline. Not counted in ClinVar's aggregate classification.
Comment: This variant is classified as likely benign based on ACMG/AMP sequence variant interpretation guidelines (Richards et al. 2015 PMID: 25741868, with internal and published modifications).

NM_000051.4(ATM):c.1380G>A (p.Thr460=)

Gene: ATM (ATM serine/threonine kinase; plus strand). Cytogenetic location: 11q22.3.
Variant type: single nucleotide variant.
Coding change: c.1380G>A on transcript NM_000051.4 (MANE Select); coding-DNA position 1380, G replaced by A.
Protein change: p.Thr460=; no amino-acid change (threonine 460 retained).
Molecular consequence: synonymous variant.
Genome position (GRCh38, 1-based): chr11:108,250,845, G>A. VCF-style: chr11-108250845-G-A. GRCh37 (hg19) VCF-style: chr11-108121572-G-A.
Other names: c.1380G>A, p.Thr460= (NM_001351834.2).
Identifiers: ClinVar variation 231597 (VCV000231597.21), dbSNP rs145333518, ClinGen allele CA6264810.
Genomic context (GRCh38, chr11:108,250,845, plus strand): 5'-TCAGCTTCTACCCCAACAGCGACATGGGGAACGTACACCATATGTGTTACGATGCCTTAC[G>A]GAAGTTGCATTGTGTCAAGACAAGAGGTCAAACCTAGAAAGCTCACAAAAGTCAGATTTA-3'
Protein context (NP_000042.3, residues 450-470): ERTPYVLRCL[Thr460=]EVALCQDKRS